The following is an entry in ClinVar:

NM_003978.5(PSTPIP1):c.514A>G (p.Lys172Glu)

Gene: PSTPIP1 (proline-serine-threonine phosphatase interacting protein 1; plus strand). Cytogenetic location: 15q24.3.
Variant type: single nucleotide variant.
Coding change: c.514A>G on transcript NM_003978.5 (MANE Select); coding-DNA position 514, A replaced by G.
Protein change: p.Lys172Glu; replaces lysine 172 with glutamic acid.
Molecular consequence: missense variant. On other transcripts: non-coding transcript variant (1).
Genome position (GRCh38, 1-based): chr15:77,028,650, A>G. VCF-style: chr15-77028650-A-G. GRCh37 (hg19) VCF-style: chr15-77320991-A-G.
Other names: c.514A>G, p.Lys172Glu (NM_001321135.2, NM_001411086.1); c.487A>G, p.Lys163Glu (NM_001321136.2); c.709A>G, p.Lys237Glu (NM_001321137.1); short protein forms K163E, K172E, K237E.
Identifiers: ClinVar variation 5041085 (VCV005041085.1).

ClinVar aggregate classification (germline): Uncertain significance (1 of 4 stars; one submission).

Submission:

CeGaT Center for Human Genetics Tuebingen
Classification: Uncertain significance. Last evaluated: 2026-09-01. Review status: criteria provided, single submitter. Criteria: CeGaT Center For Human Genetics Tuebingen Variant Classification Criteria Version 2. Collection method: clinical testing. Allele origin: germline. Affected: yes. Observed: 1 variant allele.
Comment: PSTPIP1: PM2